The following is an entry in ClinVar:

NM_004341.5(CAD):c.1927A>G (p.Arg643Gly)

Gene: CAD (carbamoyl-phosphate synthetase 2, aspartate transcarbamylase, and dihydroorotase; plus strand). Cytogenetic location: 2p23.3.
Variant type: single nucleotide variant.
Coding change: c.1927A>G on transcript NM_004341.5 (MANE Select); coding-DNA position 1927, A replaced by G.
Protein change: p.Arg643Gly; replaces arginine 643 with glycine.
Molecular consequence: missense variant. On other transcripts: intron variant (1).
Genome position (GRCh38, 1-based): chr2:27,226,215, A>G. VCF-style: chr2-27226215-A-G. GRCh37 (hg19) VCF-style: chr2-27449083-A-G.
Other names: c.1842+289A>G (NM_001306079.2); short protein forms R643G.
Identifiers: ClinVar variation 2079676 (VCV002079676.4), dbSNP rs1675439088, ClinGen allele CA346206805.
Genomic context (GRCh38, chr2:27,226,215, plus strand): 5'-CCACTGGGCATCCACACTGGTGAGTCCATAGTGGTGGCCCCTAGCCAGACACTGAATGAC[A>G]GGGAGTATCAGCTCCTGAGGCAGACAGCTATCAAGGTGACCCAGCACCTGGGAATTGTTG-3'
Protein context (NP_004332.2, residues 633-653): VVAPSQTLND[Arg643Gly]EYQLLRQTAI

ClinVar aggregate classification (germline): Uncertain significance (1 of 4 stars; one submission).

Submission:

Labcorp Genetics (formerly Invitae), Labcorp
Classification: Uncertain significance. Last evaluated: 2023-07-07. Review status: criteria provided, single submitter. Criteria: Invitae Variant Classification Sherloc (09022015). Collection method: clinical testing. Allele origin: germline.
Comment: This variant is not present in population databases (gnomAD no frequency). This sequence change replaces arginine, which is basic and polar, with glycine, which is neutral and non-polar, at codon 643 of the CAD protein (p.Arg643Gly). This variant has not been reported in the literature in individuals affected with CAD-related conditions. In summary, the available evidence is currently insufficient to determine the role of this variant in disease. Therefore, it has been classified as a Variant of Uncertain Significance. Advanced modeling of protein sequence and biophysical properties (such as structural, functional, and spatial information, amino acid conservation, physicochemical variation, residue mobility, and thermodynamic stability) performed at Invitae indicates that this missense variant is not expected to disrupt CAD protein function. ClinVar contains an entry for this variant (Variation ID: 2079676).